The following is an entry in ClinVar:

NM_001069.3(TUBB2A):c.467G>A (p.Arg156Gln)

Gene: TUBB2A (tubulin beta 2A class IIa; minus strand). Cytogenetic location: 6p25.2.
Variant type: single nucleotide variant.
Coding change: c.467G>A on transcript NM_001069.3 (MANE Select); coding-DNA position 467, G replaced by A.
Protein change: p.Arg156Gln; replaces arginine 156 with glutamine.
Molecular consequence: missense variant.
Genome position (GRCh38, 1-based): chr6:3,154,734, C>T on the plus strand (G>A on the coding strand, the complement: TUBB2A is on the minus strand). VCF-style: chr6-3154734-C-T. GRCh37 (hg19) VCF-style: chr6-3154968-C-T.
Other names: c.212G>A, p.Arg71Gln (NM_001310315.2); short protein forms R156Q, R71Q.
Identifiers: ClinVar variation 1691183 (VCV001691183.5), dbSNP rs2113785565, ClinGen allele CA362592681.

ClinVar aggregate classification (germline): Uncertain significance. Review status: criteria provided, multiple submitters, no conflicts (2 of 4 stars). 2 submissions from 2 submitters: Uncertain significance (2). Last evaluated 2023-07-30.

Submissions (2):

Labcorp Genetics (formerly Invitae), Labcorp
Classification: Uncertain significance. Last evaluated: 2023-07-30. Review status: criteria provided, single submitter. Criteria: Invitae Variant Classification Sherloc (09022015). Collection method: clinical testing. Allele origin: germline.
Comment: Advanced modeling of protein sequence and biophysical properties (such as structural, functional, and spatial information, amino acid conservation, physicochemical variation, residue mobility, and thermodynamic stability) performed at Invitae indicates that this missense variant is not expected to disrupt TUBB2A protein function. This sequence change replaces arginine, which is basic and polar, with glutamine, which is neutral and polar, at codon 156 of the TUBB2A protein (p.Arg156Gln). This variant is not present in population databases (gnomAD no frequency). This variant has not been reported in the literature in individuals affected with TUBB2A-related conditions. ClinVar contains an entry for this variant (Variation ID: 1691183). In summary, the available evidence is currently insufficient to determine the role of this variant in disease. Therefore, it has been classified as a Variant of Uncertain Significance.

GeneDx
Classification: Uncertain significance. Last evaluated: 2022-06-02. Review status: criteria provided, single submitter. Criteria: GeneDx Variant Classification Process June 2021. Collection method: clinical testing. Allele origin: germline. Affected: yes.
Comment: Not observed at significant frequency in large population cohorts (gnomAD); In silico analysis supports that this missense variant has a deleterious effect on protein structure/function; Has not been previously published as pathogenic or benign to our knowledge